The following is an entry in ClinVar:

NM_021098.3(CACNA1H):c.6728del (p.Asp2243fs)

Gene: CACNA1H (calcium voltage-gated channel subunit alpha1 H; plus strand). Cytogenetic location: 16p13.3.
Variant type: Deletion.
Coding change: c.6728del on transcript NM_021098.3 (MANE Select); coding-DNA position 6728, one base deleted (A; older notation c.6728delA).
Protein change: p.Asp2243fs; shifts the reading frame from aspartic acid 2243.
Molecular consequence: frameshift variant.
Genome position (GRCh38, 1-based): chr16:1,220,660, A deleted. VCF-style (leftmost placement, unchanged base first): chr16-1220659-GA-G. GRCh37 (hg19) VCF-style: chr16-1270659-GA-G.
Other names: c.6710del, p.Asp2237fs (NM_001005407.2); short protein forms D2237fs, D2243fs.
Identifiers: ClinVar variation 3748427 (VCV003748427.2).

ClinVar aggregate classification (germline): Uncertain significance (1 of 4 stars; one submission).

Conditions:
Idiopathic generalized epilepsy. Also called: Generalised epilepsy; EIG. Identifiers: MedGen C0270850, MONDO:0005579, OMIM 600669.
Hyperaldosteronism, familial, type IV (HALD4). Also called: FH IV; ALDOSTERONISM, PRIMARY, AND HYPERTENSION. Identifiers: Orphanet 642671, MedGen C4310756, MONDO:0014875, OMIM 617027.

Submission:

Labcorp Genetics (formerly Invitae), Labcorp
Classification: Uncertain significance for Idiopathic generalized epilepsy; Hyperaldosteronism, familial, type IV. Last evaluated: 2024-05-19. Review status: criteria provided, single submitter. Criteria: Invitae Variant Classification Sherloc (09022015). Collection method: clinical testing. Allele origin: germline.
Comment: This sequence change creates a premature translational stop signal (p.Asp2243Alafs*19) in the CACNA1H gene. While this is not anticipated to result in nonsense mediated decay, it is expected to disrupt the last 111 amino acid(s) of the CACNA1H protein. This variant is not present in population databases (gnomAD no frequency). This variant has not been reported in the literature in individuals affected with CACNA1H-related conditions. Experimental studies and prediction algorithms are not available or were not evaluated, and the functional significance of this variant is currently unknown. In summary, the available evidence is currently insufficient to determine the role of this variant in disease. Therefore, it has been classified as a Variant of Uncertain Significance.